The following is an entry in ClinVar:

ClinVar aggregate classification (germline): Pathogenic/Likely pathogenic. Review status: criteria provided, multiple submitters, no conflicts (2 of 4 stars). 6 submissions from 6 submitters: Pathogenic (3); Likely pathogenic (2). 1 of the submissions does not count toward it. Last evaluated 2024-05-05.

Conditions:
Glucocorticoid-remediable aldosteronism. Also called: FH I; GLUCOCORTICOID-SUPPRESSIBLE HYPERALDOSTERONISM; Hyperaldosteronism, familial, type I; ACTH-DEPENDENT HYPERALDOSTERONISM SYNDROME; ALDOSTERONISM, SENSITIVE TO DEXAMETHASONE. Identifiers: Orphanet 403, MedGen C3838731, MONDO:0007080, OMIM 103900.
Deficiency of steroid 11-beta-monooxygenase (CYP11B1). Also called: ADRENAL HYPERPLASIA, CONGENITAL, DUE TO STEROID 11-BETA-HYDROXYLASE DEFICIENCY; P450C11B1 DEFICIENCY; 11-BETA-HYDROXYLASE DEFICIENCY; ADRENAL HYPERPLASIA IV; STEROID 11-BETA-HYDROXYLASE DEFICIENCY; Congenital adrenal hyperplasia due to 11-beta-hydroxylase deficiency. Identifiers: Orphanet 90795, MedGen C0268292, MONDO:0008729, OMIM 202010. Disease mechanism: loss of function.

Allele frequency attached by ClinVar (database versions not stated): gnomAD exomes below 0.00001; ExAC 0.00001; gnomAD 0.00001; TOPMed 0.00001.
gnomAD v4.1: 8 of 1,614,128 alleles (0.0005%); highest among the groups gnomAD compares: Non-Finnish European, 0.00051%; no homozygotes.

Submissions (6):

Fulgent Genetics
Classification: Likely pathogenic for Glucocorticoid-remediable aldosteronism; Deficiency of steroid 11-beta-monooxygenase. Last evaluated: 2024-05-05. Review status: criteria provided, single submitter. Criteria: ACMG Guidelines, 2015. Collection method: clinical testing. Allele origin: germline.

Baylor Genetics
Classification: Pathogenic for Deficiency of steroid 11-beta-monooxygenase. Last evaluated: 2023-04-24. Review status: criteria provided, single submitter. Criteria: ACMG Guidelines, 2015. Collection method: clinical testing. Allele origin: unknown.

Labcorp Genetics (formerly Invitae), Labcorp
Classification: Pathogenic. Last evaluated: 2022-11-23. Review status: criteria provided, single submitter. Criteria: Invitae Variant Classification Sherloc (09022015). Collection method: clinical testing. Allele origin: germline.
Comment: This missense change has been observed in individual(s) with adrenal hyperplasia (PMID: 15751602, 26053152, 33275286). In at least one individual the data is consistent with being in trans (on the opposite chromosome) from a pathogenic variant. It has also been observed to segregate with disease in related individuals. This sequence change replaces glycine, which is neutral and non-polar, with aspartic acid, which is acidic and polar, at codon 444 of the CYP11B1 protein (p.Gly444Asp). This variant is not present in population databases (gnomAD no frequency). ClinVar contains an entry for this variant (Variation ID: 235678). Advanced modeling of protein sequence and biophysical properties (such as structural, functional, and spatial information, amino acid conservation, physicochemical variation, residue mobility, and thermodynamic stability) performed at Invitae indicates that this missense variant is expected to disrupt CYP11B1 protein function. Experimental studies have shown that this missense change affects CYP11B1 function (PMID: 15751602, 26053152). For these reasons, this variant has been classified as Pathogenic.

Athena Diagnostics
Classification: Likely pathogenic. Last evaluated: 2018-06-13. Review status: criteria provided, single submitter. Criteria: Athena Diagnostics Criteria. Collection method: clinical testing. Allele origin: germline.

Center for Pediatric Genomic Medicine, Children's Mercy Hospital and Clinics
Classification: Pathogenic. Last evaluated: 2015-04-01. Review status: criteria provided, single submitter. Criteria: ACMG Guidelines, 2015. Collection method: clinical testing. Allele origin: germline.

Counsyl
Classification: Likely pathogenic for Deficiency of steroid 11-beta-monooxygenase. Last evaluated: 2018-01-16. Review status: no assertion criteria provided. Collection method: clinical testing. Allele origin: unknown. Not counted in ClinVar's aggregate classification.

Literature cited by the submitters: PubMed 15751602 (cited by 3 submitters); PubMed 26053152 (cited by 3 submitters); PubMed 33275286 (cited by Labcorp Genetics (formerly Invitae), Labcorp); PubMed 17726333 (cited by Athena Diagnostics and Counsyl); PubMed 28228528 (cited by Counsyl).

NM_000497.4(CYP11B1):c.1331G>A (p.Gly444Asp)

Genes: CYP11B1 (cytochrome P450 family 11 subfamily B member 1; minus strand), LOC106799833 (CYP11B1 recombination region; plus strand). Cytogenetic location: 8q24.3.
Variant type: single nucleotide variant.
Coding change: c.1331G>A on transcript NM_000497.4 (MANE Select); coding-DNA position 1331, G replaced by A.
Protein change: p.Gly444Asp; replaces glycine 444 with aspartic acid.
Molecular consequence: missense variant. On other transcripts: intron variant (1).
Genome position (GRCh38, 1-based): chr8:142,875,024, C>T on the plus strand (G>A on the coding strand, the complement: CYP11B1 is on the minus strand). VCF-style: chr8-142875024-C-T. GRCh37 (hg19) VCF-style: chr8-143956440-C-T.
Other names: c.1200+210G>A (NM_001026213.1); short protein forms G444D.
Identifiers: ClinVar variation 235678 (VCV000235678.11), dbSNP rs779103938, ClinGen allele CA4905016.